The following is an entry in ClinVar:

NM_178138.6(LHX3):c.79+1975G>C

Gene: LHX3 (LIM homeobox 3; minus strand). Cytogenetic location: 9q34.3.
Variant type: single nucleotide variant.
Coding change: c.79+1975G>C on transcript NM_178138.6 (MANE Select); 1975 bases into the intron after coding-DNA position 79, G replaced by C.
Molecular consequence: intron variant. On other transcripts: synonymous variant (1).
Genome position (GRCh38, 1-based): chr9:136,202,959, C>G on the plus strand (G>C on the coding strand, the complement: LHX3 is on the minus strand). VCF-style: chr9-136202959-C-G. GRCh37 (hg19) VCF-style: chr9-139094805-C-G.
Other names: c.81G>C, p.Ala27= (NM_014564.5).
Identifiers: ClinVar variation 3907086 (VCV003907086.1).
Genomic context (GRCh38, chr9:136,202,959, plus strand): 5'-AGGATCTCCTGGTCTCCCCGGTGCAGCCACTCGGCCCGGGCACCCACCTCGGCGCAGGTC[C>G]GCCCTCCGCGCCAGCAGTGCTAGCAGCAGGTCGCCTCCCGCCGACTCCCGGGCCGGGCCC-3'

ClinVar aggregate classification (germline): Likely benign (1 of 4 stars; one submission).

Submission:

Women's Health and Genetics/Laboratory Corporation of America, LabCorp
Classification: Likely benign. Last evaluated: 2025-06-16. Review status: criteria provided, single submitter. Criteria: LabCorp Variant Classification Summary - May 2015. Collection method: clinical testing. Allele origin: germline.
Comment: Variant summary: LHX3 c.81G>C results in a synonymous change. Consensus agreement among computation tools predict no significant impact on normal splicing. However, these predictions have yet to be confirmed by functional studies. The variant allele was found at a frequency of 7.9e-06 in 126978 control chromosomes. The available data on variant occurrences in the general population are insufficient to allow any conclusion about variant significance. To our knowledge, no occurrence of c.81G>C in individuals affected with Combined Pituitary Hormone Deficiency and no experimental evidence demonstrating its impact on protein function have been reported. No submitters have cited clinical-significance assessments for this variant to ClinVar. Based on the evidence outlined above, the variant was classified as likely benign.